The following is an entry in ClinVar:

NM_012309.5(SHANK2):c.1027C>T (p.Gln343Ter)

Gene: SHANK2 (SH3 and multiple ankyrin repeat domains 2; minus strand). Cytogenetic location: 11q13.4.
Variant type: single nucleotide variant.
Coding change: c.1027C>T on transcript NM_012309.5 (MANE Select); coding-DNA position 1027, C replaced by T.
Protein change: p.Gln343Ter; replaces glutamine 343 with a stop codon.
Molecular consequence: nonsense.
Genome position (GRCh38, 1-based): chr11:71,075,161, G>A on the plus strand (C>T on the coding strand, the complement: SHANK2 is on the minus strand). VCF-style: chr11-71075161-G-A.
Other names: c.1027C>T, p.Gln343Ter (NM_001441024.1, NM_001441025.1, NM_001441026.1 and 12 more transcripts); c.955C>T, p.Gln319Ter (NM_001441038.1); short protein forms Q343*, Q319*.
Identifiers: ClinVar variation 5004971 (VCV005004971.2).

ClinVar aggregate classification (germline): Likely pathogenic (1 of 4 stars; one submission).

Conditions:
Autism, susceptibility to, 17. Also called: Autism susceptibility 17. Identifiers: MedGen C3150693, MONDO:0013265, OMIM 613436.

Submission:

Juno Genomics, Hangzhou Juno Genomics, Inc
Classification: Likely pathogenic for Autism, susceptibility to, 17. Review status: criteria provided, single submitter. Criteria: ACMG Guidelines, 2015. Collection method: clinical testing. Allele origin: germline.
Comment: Null variant in a gene where loss of function (LOF) is a known mechanism of disease.;Absent from controls (or at extremely low frequency if recessive) in Genome Aggregation Database.